The following is an entry in ClinVar:

ClinVar aggregate classification (germline): Pathogenic/Likely pathogenic. Review status: criteria provided, multiple submitters, no conflicts (2 of 4 stars). 4 submissions from 4 submitters: Pathogenic (1); Likely pathogenic (2). 1 of the submissions does not count toward it. Last evaluated 2022-03-30.

Conditions:
Snijders Blok-Campeau syndrome. Also called: INTELLECTUAL DEVELOPMENTAL DISORDER WITH MACROCEPHALY, SPEECH DELAY, AND DYSMORPHIC FACIES. Identifiers: Orphanet 599082, MedGen C4748701, MONDO:0032600, OMIM 618205.
Intellectual disability. Also called: Intellectual developmental disorder; Intellectual functioning disability; intellectual disabilities. Identifiers: MedGen C3714756, MeSH D008607, MONDO:0001071, HP:0001249.
Global developmental delay (DD). Also called: Cognitive delay. Identifiers: MedGen C0557874, HP:0001263. Disease mechanism: loss of function.

Submissions (4):

Human Genetics Bochum, Ruhr University Bochum
Classification: Likely pathogenic for Global developmental delay. Last evaluated: 2022-03-30. Review status: criteria provided, single submitter. Criteria: ACMG Guidelines, 2015. Collection method: clinical testing. Allele origin: germline. Affected: yes.
Comment: ACMG criteria used to clasify this variant: PM1, PM3, PM2_SUP, PP2, PP3

SIB Swiss Institute of Bioinformatics
Classification: Pathogenic for Snijders Blok-Campeau syndrome. Last evaluated: 2019-02-19. Review status: criteria provided, single submitter. Criteria: ACMG Guidelines, 2015. Collection method: curation. Allele origin: unknown.
Comment: This variant is interpreted as a Pathogenic for Snijders Blok-Campeau syndrome, autosomal dominant. The following ACMG Tag(s) were applied: PM2 : Absent from controls (or at extremely low frequency if recessive) in Exome Sequencing Project, 1000 Genomes Project, or Exome Aggregation Consortium. PM6 : Assumed de novo, but without confirmation of paternity and maternity (PMID:30397230). PM1-supporting : PM1 downgraded in strength to Supporting. PP2 : Missense variant in a gene that has a low rate of benign missense variation and in which missense variants are a common mechanism of disease. PP3 :Multiple lines of computational evidence support a deleterious effect on the gene or gene product. PS3 :Well-established functional studies show a deleterious effect (PMID:30397230).

Juno Genomics, Hangzhou Juno Genomics, Inc
Classification: Likely pathogenic for Snijders Blok-Campeau syndrome. Review status: criteria provided, single submitter. Criteria: ACMG Guidelines, 2015. Collection method: clinical testing. Allele origin: germline. Affected: yes.
Comment: Absent from controls (or at extremely low frequency if recessive) in Genome Aggregation Database.;De novo (both maternity and paternity confirmed) in a patient with the disease and no family history.;The prevalence of the variant in affected individuals is significantly increased compared to the prevalence in controls.;Well-established in vitro or in vivo functional studies supportive of a damaging effect on the gene or gene product.;Missense variant in a gene that has a low rate of benign missense variation.

CHU Sainte-Justine Research Center, University of Montreal
Classification: Likely pathogenic for Intellectual disability. Last evaluated: 2018-05-03. Review status: no assertion criteria provided. Collection method: research. Allele origin: germline. Affected: yes. Not counted in ClinVar's aggregate classification.

Literature cited by the submitters: PubMed 30397230 (cited by SIB Swiss Institute of Bioinformatics).

NM_001005273.3(CHD3):c.3362G>C (p.Arg1121Pro)

Gene: CHD3 (chromodomain helicase DNA binding protein 3; plus strand). Cytogenetic location: 17p13.1.
Variant type: single nucleotide variant.
Coding change: c.3362G>C on transcript NM_001005273.3 (MANE Select); coding-DNA position 3362, G replaced by C.
Protein change: p.Arg1121Pro; replaces arginine 1121 with proline.
Molecular consequence: missense variant.
Genome position (GRCh38, 1-based): chr17:7,902,719, G>C. VCF-style: chr17-7902719-G-C. GRCh37 (hg19) VCF-style: chr17-7806037-G-C.
Other names: c.3539G>C, p.Arg1180Pro (NM_001005271.3); c.3362G>C, p.Arg1121Pro (NM_005852.4); short protein forms R1121P, R1180P.
Identifiers: ClinVar variation 549736 (VCV000549736.4), dbSNP rs1567860112, ClinGen allele CA397941704.